The following is an entry in ClinVar:

NM_001429.4(EP300):c.45G>A (p.Arg15=)

Genes: EP300 (EP300 lysine acetyltransferase; plus strand), LOC130067530 (ATAC-STARR-seq lymphoblastoid active region 19106; plus strand). Cytogenetic location: 22q13.2.
Variant type: single nucleotide variant.
Coding change: c.45G>A on transcript NM_001429.4 (MANE Select); coding-DNA position 45, G replaced by A.
Protein change: p.Arg15=; no amino-acid change (arginine 15 retained).
Molecular consequence: synonymous variant.
Genome position (GRCh38, 1-based): chr22:41,093,049, G>A. VCF-style: chr22-41093049-G-A. GRCh37 (hg19) VCF-style: chr22-41489053-G-A.
Other names: c.45G>A, p.Arg15= (NM_001362843.2).
Identifiers: ClinVar variation 1254642 (VCV001254642.7), dbSNP rs752119517, ClinGen allele CA10252146.

ClinVar aggregate classification (germline): Benign/Likely benign. Review status: criteria provided, multiple submitters, no conflicts (2 of 4 stars). 3 submissions from 3 submitters: Benign (1); Likely benign (1). 1 of the submissions does not count toward it. Last evaluated 2024-09-15.

Conditions:
Rubinstein-Taybi syndrome due to EP300 haploinsufficiency. Also called: EP300-Related Rubinstein-Taybi Syndrome; RUBINSTEIN-TAYBI SYNDROME 2. Identifiers: Orphanet 353284, Orphanet 783, MedGen C3150941, MONDO:0013364, OMIM 613684.
EP300-related disorder. Also called: EP300-related condition; EP300-related disorders.

Allele frequency attached by ClinVar (database versions not stated): gnomAD exomes 0.00001; ExAC 0.00002; TOPMed 0.00006; gnomAD 0.00007 and 0.00008.
gnomAD v4.1: 16 of 1,614,020 alleles (0.00099%); highest among the groups gnomAD compares: African/African-American, 0.021%; no homozygotes.

Submissions (3):

Labcorp Genetics (formerly Invitae), Labcorp
Classification: Benign for Rubinstein-Taybi syndrome due to EP300 haploinsufficiency. Last evaluated: 2024-09-15. Review status: criteria provided, single submitter. Criteria: Invitae Variant Classification Sherloc (09022015). Collection method: clinical testing. Allele origin: germline.

GeneDx
Classification: Likely benign. Last evaluated: 2021-02-11. Review status: criteria provided, single submitter. Criteria: GeneDx Variant Classification Process June 2021. Collection method: clinical testing. Allele origin: germline. Affected: yes.
Comment: In silico analysis supports that this variant does not alter splicing; Has not been previously published as pathogenic or benign to our knowledge

PreventionGenetics, part of Exact Sciences
Classification: Likely benign for EP300-related condition. Last evaluated: 2024-02-15. Review status: no assertion criteria provided. Collection method: clinical testing. Allele origin: germline. Not counted in ClinVar's aggregate classification.
Comment: This variant is classified as likely benign based on ACMG/AMP sequence variant interpretation guidelines (Richards et al. 2015 PMID: 25741868, with internal and published modifications).